The following is an entry in ClinVar:

NM_001009944.3(PKD1):c.6759C>A (p.Pro2253=)

Gene: PKD1 (polycystin 1, transient receptor potential channel interacting; minus strand). Cytogenetic location: 16p13.3.
Variant type: single nucleotide variant.
Coding change: c.6759C>A on transcript NM_001009944.3 (MANE Select); coding-DNA position 6759, C replaced by A.
Protein change: p.Pro2253=; no amino-acid change (proline 2253 retained).
Molecular consequence: synonymous variant.
Genome position (GRCh38, 1-based): chr16:2,108,408, G>T on the plus strand (C>A on the coding strand, the complement: PKD1 is on the minus strand). VCF-style: chr16-2108408-G-T. GRCh37 (hg19) VCF-style: chr16-2158409-G-T.
Other names: c.6759C>A, p.Pro2253= (NM_000296.4).
Identifiers: ClinVar variation 3896616 (VCV003896616.4).

ClinVar aggregate classification (germline): Benign/Likely benign. Review status: criteria provided, multiple submitters, no conflicts (2 of 4 stars). 3 submissions from 3 submitters: Benign (1); Likely benign (2). Last evaluated 2025-09-29.

Conditions:
PKD1-related disorder. Also called: PKD1-related condition.

gnomAD v4.1: 348 of 1,610,420 alleles (0.022%); highest among the groups gnomAD compares: East Asian, 0.75%; 2 homozygotes.

Submissions (3):

PreventionGenetics, part of Exact Sciences
Classification: Likely benign for PKD1-related condition. Last evaluated: 2025-09-29. Review status: criteria provided, single submitter. Criteria: ACMG Guidelines, 2015. Collection method: clinical testing. Allele origin: germline.
Comment: This variant is classified as likely benign based on ACMG/AMP sequence variant interpretation guidelines (Richards et al. 2015 PMID: 25741868, with internal and published modifications).

Women's Health and Genetics/Laboratory Corporation of America, LabCorp
Classification: Benign. Last evaluated: 2025-04-25. Review status: criteria provided, single submitter. Criteria: LabCorp Variant Classification Summary - May 2015. Collection method: clinical testing. Allele origin: germline.
Comment: Variant summary: PKD1 c.6759C>A alters a conserved nucleotide resulting in a synonymous change. Consensus agreement among computation tools predict no significant impact on normal splicing. However, these predictions have yet to be confirmed by functional studies. The variant allele was found at a frequency of 0.00023 in 248478 control chromosomes, predominantly at a frequency of 0.003 within the East Asian subpopulation in the gnomAD database, including 2 homozygotes. The observed variant frequency within East Asian control individuals in the gnomAD database exceeds the estimated maximal expected allele frequency for a pathogenic variant in PKD1 causing PKD1-Biallelic Autosomal Recessive Polycystic Kidney Disease phenotype. To our knowledge, no occurrence of c.6759C>A in individuals affected with PKD1-Biallelic Autosomal Recessive Polycystic Kidney Disease and no experimental evidence demonstrating its impact on protein function have been reported. No submitters have cited clinical-significance assessments for this variant to ClinVar. Based on the evidence outlined above, the variant was classified as benign.

Blueprint Genetics
Classification: Likely benign. Last evaluated: 2023-06-19. Review status: criteria provided, single submitter. Criteria: ACMG Guidelines, 2015. Collection method: clinical testing. Allele origin: germline.